The following is an entry in ClinVar:

NM_000051.4(ATM):c.3994-8C>T

Gene: ATM (ATM serine/threonine kinase; plus strand). Cytogenetic location: 11q22.3.
Variant type: single nucleotide variant.
Coding change: c.3994-8C>T on transcript NM_000051.4 (MANE Select); 8 bases into the intron before coding-DNA position 3994, C replaced by T.
Molecular consequence: intron variant.
Genome position (GRCh38, 1-based): chr11:108,287,592, C>T. VCF-style: chr11-108287592-C-T. GRCh37 (hg19) VCF-style: chr11-108158319-C-T.
Other names: c.3994-8C>T (NM_001351834.2).
Identifiers: ClinVar variation 1534282 (VCV001534282.9), dbSNP rs2135734775, ClinGen allele CA2573146715.

ClinVar aggregate classification (germline): Likely benign. Review status: criteria provided, multiple submitters, no conflicts (2 of 4 stars). 2 submissions from 2 submitters: Likely benign (2). Last evaluated 2024-05-16.

Conditions:
Ataxia-telangiectasia syndrome (AT). Also called: Cerebello-oculocutaneous telangiectasia; Immunodeficiency with ataxia telangiectasia; ATAXIA-TELANGIECTASIA, FRESNO VARIANT; Ataxia-telangiectasia, complementation group E; Ataxia-telangiectasia, complementation group D; AT, COMPLEMENTATION GROUP C. Identifiers: Orphanet 100, MedGen C0004135, MONDO:0008840, OMIM 208900.
Familial cancer of breast. Also called: Hereditary breast cancer; BREAST CANCER, FAMILIAL; hereditary breast carcinoma. Identifiers: Orphanet 227535, MedGen C0346153, MONDO:0016419, OMIM 114480. Disease mechanism: loss of function.

Submissions (2):

Myriad Genetics, Inc.
Classification: Likely benign for Familial cancer of breast. Last evaluated: 2024-05-16. Review status: criteria provided, single submitter. Criteria: Myriad Autosomal Dominant, Autosomal Recessive and X-Linked Classification Criteria (2023). Collection method: clinical testing. Allele origin: unknown.
Comment: This variant is considered likely benign. This variant is intronic and is not expected to impact mRNA splicing.

Labcorp Genetics (formerly Invitae), Labcorp
Classification: Likely benign for Ataxia-telangiectasia syndrome. Last evaluated: 2023-03-10. Review status: criteria provided, single submitter. Criteria: Invitae Variant Classification Sherloc (09022015). Collection method: clinical testing. Allele origin: germline.